The following is an entry in ClinVar:

NM_006015.6(ARID1A):c.1224G>A (p.Pro408=)

Gene: ARID1A (AT-rich interaction domain 1A; plus strand). Cytogenetic location: 1p36.11.
Variant type: single nucleotide variant.
Coding change: c.1224G>A on transcript NM_006015.6 (MANE Select); coding-DNA position 1224, G replaced by A.
Protein change: p.Pro408=; no amino-acid change (proline 408 retained).
Molecular consequence: synonymous variant.
Genome position (GRCh38, 1-based): chr1:26,729,737, G>A. VCF-style: chr1-26729737-G-A. GRCh37 (hg19) VCF-style: chr1-27056228-G-A.
Other names: c.1224G>A, p.Pro408= (NM_139135.4).
Identifiers: ClinVar variation 2638530 (VCV002638530.29), dbSNP rs139540163, ClinGen allele CA706735.

ClinVar aggregate classification (germline): Likely benign. Review status: criteria provided, multiple submitters, no conflicts (2 of 4 stars). 4 submissions from 4 submitters: Likely benign (4). Last evaluated 2025-10-07.

Conditions:
ARID1A-related disorder. Also called: ARID1A-related condition.

Allele frequency attached by ClinVar (database versions not stated): 1000 Genomes Project 30x 0.00016; TOPMed 0.00016; 1000 Genomes Project 0.00020; ESP Exome Variant Server 0.00031.
gnomAD v4.1: 528 of 1,614,208 alleles (0.033%); highest among the groups gnomAD compares: Non-Finnish European, 0.042%; no homozygotes.

Submissions (4):

Labcorp Genetics (formerly Invitae), Labcorp
Classification: Likely benign. Last evaluated: 2025-10-07. Review status: criteria provided, single submitter. Criteria: Invitae Variant Classification Sherloc (09022015). Collection method: clinical testing. Allele origin: germline.

PreventionGenetics, part of Exact Sciences
Classification: Likely benign for ARID1A-related condition. Last evaluated: 2025-03-14. Review status: criteria provided, single submitter. Criteria: ACMG Guidelines, 2015. Collection method: clinical testing. Allele origin: germline.
Comment: This variant is classified as likely benign based on ACMG/AMP sequence variant interpretation guidelines (Richards et al. 2015 PMID: 25741868, with internal and published modifications).

Blueprint Genetics
Classification: Likely benign. Last evaluated: 2024-10-17. Review status: criteria provided, single submitter. Criteria: ACMG Guidelines, 2015. Collection method: clinical testing. Allele origin: germline.

CeGaT Center for Human Genetics Tuebingen
Classification: Likely benign. Last evaluated: 2023-02-01. Review status: criteria provided, single submitter. Criteria: CeGaT Center For Human Genetics Tuebingen Variant Classification Criteria Version 2. Collection method: clinical testing. Allele origin: germline. Affected: yes. Observed: 1 variant allele.
Comment: ARID1A: BP4, BP7